The following is an entry in ClinVar:

NM_032043.3(BRIP1):c.2492+1G>A

Gene: BRIP1 (BRCA1 interacting DNA helicase 1; minus strand). Cytogenetic location: 17q23.2.
Variant type: single nucleotide variant.
Coding change: c.2492+1G>A on transcript NM_032043.3 (MANE Select); the canonical splice donor site of the intron after coding-DNA position 2492, G replaced by A.
Molecular consequence: splice donor variant.
Genome position (GRCh38, 1-based): chr17:61,715,950, C>T on the plus strand (G>A on the coding strand, the complement: BRIP1 is on the minus strand). VCF-style: chr17-61715950-C-T. GRCh37 (hg19) VCF-style: chr17-59793311-C-T.
Identifiers: ClinVar variation 1792084 (VCV001792084.3), dbSNP rs1567755539, ClinGen allele CA400479376.

ClinVar aggregate classification (germline): Likely pathogenic (1 of 4 stars; one submission).

Conditions:
Hereditary cancer-predisposing syndrome. Also called: Hereditary Cancer Syndrome; Hereditary neoplastic syndrome; Tumor predisposition; Neoplastic Syndromes, Hereditary. Identifiers: Orphanet 140162, MedGen C0027672, MeSH D009386, MONDO:0015356.

Submission:

Ambry Genetics
Classification: Likely pathogenic for Hereditary cancer-predisposing syndrome. Last evaluated: 2023-06-09. Review status: criteria provided, single submitter. Criteria: Ambry Variant Classification Scheme 2023. Collection method: clinical testing. Allele origin: germline.
Comment: The c.2492+1G>A intronic variant results from a G to A substitution one nucleotide after coding exon 16 of the BRIP1 gene. This variant was not reported in population-based cohorts in the Genome Aggregation Database (gnomAD). This nucleotide position is highly conserved in available vertebrate species. In silico splice site analysis predicts that this alteration will weaken the native splice donor site; however, direct evidence is insufficient at this time (Ambry internal data). Alterations that disrupt the canonical splice site are expected to cause aberrant splicing, resulting in an abnormal protein or a transcript that is subject to nonsense-mediated mRNA decay. As such, this alteration is classified as likely pathogenic.